The following is an entry in ClinVar:

NM_021927.3(GUF1):c.1732A>G (p.Ile578Val)

Gene: GUF1 (GTP binding elongation factor GUF1; plus strand). Cytogenetic location: 4p12.
Variant type: single nucleotide variant.
Coding change: c.1732A>G on transcript NM_021927.3 (MANE Select); coding-DNA position 1732, A replaced by G.
Protein change: p.Ile578Val; replaces isoleucine 578 with valine.
Molecular consequence: missense variant. On other transcripts: intron variant (1).
Genome position (GRCh38, 1-based): chr4:44,695,631, A>G. VCF-style: chr4-44695631-A-G. GRCh37 (hg19) VCF-style: chr4-44697648-A-G.
Other names: c.1732A>G (NM_021927.2); c.760A>G, p.Ile254Val (NM_001345867.2, NM_001345869.2); c.1715+1118A>G (NM_001345868.2); short protein forms I254V, I578V.
Identifiers: ClinVar variation 1361073 (VCV001361073.9), dbSNP rs150660496, ClinGen allele CA2905746.

ClinVar aggregate classification (germline): Conflicting classifications of pathogenicity. Review status: criteria provided, conflicting classifications (1 of 4 stars). 2 submissions from 2 submitters: Uncertain significance (1); Likely benign (1). Last evaluated 2025-04-10.

Allele frequency attached by ClinVar (database versions not stated): gnomAD 0.00007 and 0.00009; ESP Exome Variant Server 0.00008; TOPMed 0.00008.
gnomAD v4.1: 33 of 1,610,736 alleles (0.002%); highest among the groups gnomAD compares: African/African-American, 0.023%; no homozygotes.

Submissions (2):

Labcorp Genetics (formerly Invitae), Labcorp
Classification: Uncertain significance. Last evaluated: 2025-04-10. Review status: criteria provided, single submitter. Criteria: Invitae Variant Classification Sherloc (09022015). Collection method: clinical testing. Allele origin: germline.
Comment: This sequence change replaces isoleucine, which is neutral and non-polar, with valine, which is neutral and non-polar, at codon 578 of the GUF1 protein (p.Ile578Val). This variant is present in population databases (rs150660496, gnomAD 0.03%). This variant has not been reported in the literature in individuals affected with GUF1-related conditions. ClinVar contains an entry for this variant (Variation ID: 1361073). An algorithm developed to predict the effect of missense changes on protein structure and function outputs the following: PolyPhen-2: "Benign". The valine amino acid residue is found in multiple mammalian species, which suggests that this missense change does not adversely affect protein function. In summary, the available evidence is currently insufficient to determine the role of this variant in disease. Therefore, it has been classified as a Variant of Uncertain Significance.

Ambry Genetics
Classification: Likely benign. Last evaluated: 2025-02-01. Review status: criteria provided, single submitter. Criteria: Ambry Variant Classification Scheme 2023. Collection method: clinical testing. Allele origin: germline.